The following is an entry in ClinVar:

ClinVar aggregate classification (germline): Uncertain significance (1 of 4 stars; one submission).

Conditions:
Spastic paraplegia. Identifiers: MedGen C0037772, HP:0001258.

gnomAD v4.1: 1 of 1,212,234 alleles (0.000082%); no homozygotes.

Submission:

Labcorp Genetics (formerly Invitae), Labcorp
Classification: Uncertain significance for Spastic paraplegia. Last evaluated: 2024-08-05. Review status: criteria provided, single submitter. Criteria: Invitae Variant Classification Sherloc (09022015). Collection method: clinical testing. Allele origin: germline.
Comment: This sequence change replaces alanine, which is neutral and non-polar, with serine, which is neutral and polar, at codon 1209 of the L1CAM protein (p.Ala1209Ser). This variant is present in population databases (no rsID available, gnomAD 0.006%), including at least one homozygous and/or hemizygous individual. This variant has not been reported in the literature in individuals affected with L1CAM-related conditions. Advanced modeling of protein sequence and biophysical properties (such as structural, functional, and spatial information, amino acid conservation, physicochemical variation, residue mobility, and thermodynamic stability) has been performed at Invitae for this missense variant, however the output from this modeling did not meet the statistical confidence thresholds required to predict the impact of this variant on L1CAM protein function. In summary, the available evidence is currently insufficient to determine the role of this variant in disease. Therefore, it has been classified as a Variant of Uncertain Significance.

NM_001278116.2(L1CAM):c.3625G>T (p.Ala1209Ser)

Gene: L1CAM (L1 cell adhesion molecule; minus strand). Cytogenetic location: Xq28.
Variant type: single nucleotide variant.
Coding change: c.3625G>T on transcript NM_001278116.2 (MANE Select); coding-DNA position 3625, G replaced by T.
Protein change: p.Ala1209Ser; replaces alanine 1209 with serine.
Molecular consequence: missense variant.
Genome position (GRCh38, 1-based): chrX:153,862,812, C>A on the plus strand (G>T on the coding strand, the complement: L1CAM is on the minus strand). VCF-style: chrX-153862812-C-A. GRCh37 (hg19) VCF-style: chrX-153128267-C-A.
Other names: c.3625G>T, p.Ala1209Ser (NM_000425.5); c.3598G>T, p.Ala1200Ser (NM_001143963.2); c.3613G>T, p.Ala1205Ser (NM_024003.3); short protein forms A1200S, A1205S, A1209S.
Identifiers: ClinVar variation 3615442 (VCV003615442.2).